The following is an entry in ClinVar:

NM_001195.5(BFSP1):c.1286_1287insTGGACACAAGA (p.Glu429fs)

Gene: BFSP1 (beaded filament structural protein 1; minus strand). Cytogenetic location: 20p12.1.
Variant type: Insertion.
Coding change: c.1286_1287insTGGACACAAGA on transcript NM_001195.5 (MANE Select); coding-DNA positions 1286 to 1287, TGGACACAAGA inserted.
Protein change: p.Glu429fs; shifts the reading frame from glutamic acid 429.
Molecular consequence: frameshift variant.
Genome position: GRCh38 VCF-style: chr20-17494785-C-CTCTTGTGTCCA. GRCh37 (hg19) VCF-style: chr20-17475430-C-CTCTTGTGTCCA.
Other names: c.911_912insTGGACACAAGA, p.Glu304fs (NM_001161705.2); c.869_870insTGGACACAAGA, p.Glu290fs (NM_001278606.2, NM_001278608.2); c.953_954insTGGACACAAGA, p.Glu318fs (NM_001278607.2); c.1178_1179insTGGACACAAGA, p.Glu393fs (NM_001424338.1); short protein forms E290fs, E318fs, E304fs, E393fs, E429fs.
Identifiers: ClinVar variation 2699775 (VCV002699775.3), dbSNP rs775026510, ClinGen allele CA9772087.

ClinVar aggregate classification (germline): Uncertain significance (1 of 4 stars; one submission).

Conditions:
Cataract 33. Also called: CATARACT 33, CORTICAL. Identifiers: Orphanet 91492, MedGen C3808107, MONDO:0012665, OMIM 611391.

Submission:

Labcorp Genetics (formerly Invitae), Labcorp
Classification: Uncertain significance for Cataract 33. Last evaluated: 2023-08-10. Review status: criteria provided, single submitter. Criteria: Invitae Variant Classification Sherloc (09022015). Collection method: clinical testing. Allele origin: germline.
Comment: In summary, the available evidence is currently insufficient to determine the role of this variant in disease. Therefore, it has been classified as a Variant of Uncertain Significance. This variant disrupts the C-terminus of the BFSP1 protein. Other variant(s) that disrupt this region (p.Ser498Leufs*24) have been observed in individuals with BFSP1-related conditions (PMID: 26694549). This suggests that this may be a clinically significant region of the protein. This variant has not been reported in the literature in individuals affected with BFSP1-related conditions. This variant is present in population databases (rs775026510, gnomAD 0.04%). This sequence change creates a premature translational stop signal (p.Glu429Aspfs*13) in the BFSP1 gene. While this is not anticipated to result in nonsense mediated decay, it is expected to disrupt the last 237 amino acid(s) of the BFSP1 protein.

Literature cited by the submitters: PubMed 26694549.